The following is an entry in ClinVar:

ClinVar aggregate classification (germline): Benign. Review status: criteria provided, multiple submitters, no conflicts (2 of 4 stars). 3 submissions from 3 submitters: Benign (3). Last evaluated 2022-07-01.

Allele frequency attached by ClinVar (database versions not stated): gnomAD 0.00271 and 0.00275; ESP Exome Variant Server 0.00275; 1000 Genomes Project 0.00280; ExAC 0.00286; gnomAD exomes 0.00296; 1000 Genomes Project 30x 0.00297; TOPMed 0.00363.
gnomAD v4.1: 4,722 of 1,613,882 alleles (0.29%); highest among the groups gnomAD compares: Middle Eastern, 1.3%; 29 homozygotes.

Submissions (3):

CeGaT Center for Human Genetics Tuebingen
Classification: Benign. Last evaluated: 2022-07-01. Review status: criteria provided, single submitter. Criteria: CeGaT Center For Human Genetics Tuebingen Variant Classification Criteria Version 2. Collection method: clinical testing. Allele origin: germline. Affected: yes. Observed: 2 variant alleles.
Comment: CSMD1: BS1, BS2

Labcorp Genetics (formerly Invitae), Labcorp
Classification: Benign. Last evaluated: 2019-12-31. Review status: criteria provided, single submitter. Criteria: Invitae Variant Classification Sherloc (09022015). Collection method: clinical testing. Allele origin: germline.

Breakthrough Genomics
Classification: Benign. Review status: criteria provided, single submitter. Criteria: ACMG Guidelines, 2015. Collection method: not provided. Allele origin: germline. Inheritance: Unknown mechanism. Affected: yes.

NM_033225.6(CSMD1):c.2244C>T (p.Ser748=)

Gene: CSMD1 (CUB and Sushi multiple domains 1; minus strand). Cytogenetic location: 8p23.2.
Variant type: single nucleotide variant.
Coding change: c.2244C>T on transcript NM_033225.6 (MANE Select); coding-DNA position 2244, C replaced by T.
Protein change: p.Ser748=; no amino-acid change (serine 748 retained).
Molecular consequence: synonymous variant.
Genome position (GRCh38, 1-based): chr8:3,406,049, G>A on the plus strand (C>T on the coding strand, the complement: CSMD1 is on the minus strand). VCF-style: chr8-3406049-G-A. GRCh37 (hg19) VCF-style: chr8-3263571-G-A.
Identifiers: ClinVar variation 779340 (VCV000779340.29), dbSNP rs146267457, ClinGen allele CA4608492.